The following is an entry in ClinVar:

ClinVar aggregate classification (germline): Pathogenic (1 of 4 stars; one submission).

Submission:

Labcorp Genetics (formerly Invitae), Labcorp
Classification: Pathogenic. Last evaluated: 2023-02-16. Review status: criteria provided, single submitter. Criteria: Invitae Variant Classification Sherloc (09022015). Collection method: clinical testing. Allele origin: germline.
Comment: For these reasons, this variant has been classified as Pathogenic. This variant has not been reported in the literature in individuals affected with ADAMTS17-related conditions. The frequency data for this variant in the population databases is considered unreliable, as metrics indicate insufficient coverage at this position in the gnomAD database. This sequence change creates a premature translational stop signal (p.Arg60Aspfs*103) in the ADAMTS17 gene. It is expected to result in an absent or disrupted protein product. Loss-of-function variants in ADAMTS17 are known to be pathogenic (PMID: 19836009, 24940034).

Literature cited by the submitters: PubMed 19836009; PubMed 24940034.

NM_139057.4(ADAMTS17):c.171del (p.Arg60fs)

Gene: ADAMTS17 (ADAM metallopeptidase with thrombospondin type 1 motif 17; minus strand). Cytogenetic location: 15q26.3.
Variant type: Deletion.
Coding change: c.171del on transcript NM_139057.4 (MANE Select); coding-DNA position 171, one base deleted (C; older notation c.171delC).
Protein change: p.Arg60fs; shifts the reading frame from arginine 60.
Molecular consequence: frameshift variant.
Genome position (GRCh38, 1-based): chr15:100,341,318, G deleted on the plus strand (C on the coding strand, the reverse complement: ADAMTS17 is on the minus strand); the first of 5 consecutive G bases (chr15:100,341,318-100,341,322); deleting any one gives the same sequence. VCF-style (leftmost placement, unchanged base first): chr15-100341317-CG-C. GRCh37 (hg19) VCF-style: chr15-100881522-CG-C.
Other names: short protein forms R60fs.
Identifiers: ClinVar variation 2024713 (VCV002024713.4), dbSNP rs2548994018, ClinGen allele CA2580089772.
Genomic context (GRCh38, chr15:100,341,317, plus strand): 5'-CTCCGGGCCGGGCGCGCGGGGCGGCTGGGGGCGTGCGGGGGCGTCGCCGCCGTCGGGGCC[CG>C]GGGGCTGCGGGCAGCGGCGGCAGGTGCACGTCGTCGGGGCGCACCCGCCACGGGAGCACC-3'